The following is an entry in ClinVar:

NM_003680.4(YARS1):c.1191T>C (p.Ala397=)

Gene: YARS1 (tyrosyl-tRNA synthetase 1; minus strand). Cytogenetic location: 1p35.1.
Variant type: single nucleotide variant.
Coding change: c.1191T>C on transcript NM_003680.4 (MANE Select); coding-DNA position 1191, T replaced by C.
Protein change: p.Ala397=; no amino-acid change (alanine 397 retained).
Molecular consequence: synonymous variant.
Genome position (GRCh38, 1-based): chr1:32,780,228, A>G on the plus strand (T>C on the coding strand, the complement: YARS1 is on the minus strand). VCF-style: chr1-32780228-A-G. GRCh37 (hg19) VCF-style: chr1-33245829-A-G.
Identifiers: ClinVar variation 515998 (VCV000515998.3), dbSNP rs1553122715, ClinGen allele CA417064631.

ClinVar aggregate classification (germline): Likely benign. Review status: criteria provided, multiple submitters, no conflicts (2 of 4 stars). 2 submissions from 2 submitters: Likely benign (2). Last evaluated 2019-07-11.

Conditions:
Inborn genetic diseases. Identifiers: MedGen C0950123, MeSH D030342.

Submissions (2):

Ambry Genetics
Classification: Likely benign for Inborn genetic diseases. Last evaluated: 2019-07-11. Review status: criteria provided, single submitter. Criteria: Ambry Variant Classification Scheme 2023. Collection method: clinical testing. Allele origin: germline.

GeneDx
Classification: Likely benign. Last evaluated: 2018-03-06. Review status: criteria provided, single submitter. Criteria: GeneDx Variant Classification (06012015). Collection method: clinical testing. Allele origin: germline. Affected: yes.
Comment: This variant is considered likely benign or benign based on one or more of the following criteria: it is a conservative change, it occurs at a poorly conserved position in the protein, it is predicted to be benign by multiple in silico algorithms, and/or has population frequency not consistent with disease.